The following is an entry in ClinVar:

ClinVar aggregate classification (germline): Uncertain significance (1 of 4 stars; one submission).

Submission:

GeneDx
Classification: Uncertain significance. Last evaluated: 2020-03-13. Review status: criteria provided, single submitter. Criteria: GeneDx Variant Classification Process June 2021. Collection method: clinical testing. Allele origin: germline. Affected: yes.
Comment: Not observed in large population cohorts (Lek et al., 2016); In-frame deletion of 1 amino acid in a non-repeat region; In silico analysis supports a deleterious effect on protein structure/function; Has not been previously published as pathogenic or benign to our knowledge

NM_020822.3(KCNT1):c.1488_1490del (p.Asn496del)

Gene: KCNT1 (potassium sodium-activated channel subfamily T member 1; plus strand). Cytogenetic location: 9q34.3.
Variant type: Deletion.
Coding change: c.1488_1490del on transcript NM_020822.3 (MANE Select); coding-DNA positions 1488 to 1490, 3 bases deleted (CAA; older notation c.1488_1490delCAA).
Protein change: p.Asn496del; deletes asparagine 496.
Molecular consequence: inframe deletion.
Genome position (GRCh38, 1-based): chr9:135,768,915-135,768,917, CAA deleted; deleting any 3 consecutive bases within chr9:135,768,913-135,768,917 gives the same sequence; the c. name uses the placement nearest the transcript's 3' end. VCF-style (leftmost placement, unchanged base first): chr9-135768912-AAAC-A. GRCh37 (hg19) VCF-style: chr9-138660758-AAAC-A.
Other names: c.1353_1355del, p.Asn451del (NM_001272003.2); short protein forms N451del, N496del.
Identifiers: ClinVar variation 1304152 (VCV001304152.2), dbSNP rs2131498089, ClinGen allele CA2573053140.